The following continues an entry in ClinVar:

NM_000053.4(ATP7B):c.2828G>A (p.Gly943Asp)

Gene: ATP7B. ClinVar aggregate classification (germline): Pathogenic. Pathogenic (13).

Submissions 12 to 15 of 15:

Women's Health and Genetics/Laboratory Corporation of America, LabCorp
Classification: Pathogenic for Wilson disease. Last evaluated: 2017-02-16. Review status: criteria provided, single submitter. Criteria: LabCorp Variant Classification Summary - May 2015. Collection method: clinical testing. Allele origin: germline.
Comment: Variant summary: The ATP7B c.2828G>A (p.Gly943Asp) variant located in the P-type ATPase, A domain (via InterPro) involves the alteration of a conserved nucleotide, which 5/5 in silico tools predict a damaging outcome. The variant of interest was observed in the large, broad control population, ExAC, with an allele frequency of 2/120380 (1/60190), which does not exceed the estimated maximal expected allele frequency for a pathogenic ATP7B variant of 1/185. Multiple publications have cited the variant in affected individuals, along with multiple clinical diagnostic laboratories/reputable databases classified this variant as likely pathogenic/pathogenic. Taken together, this variant is classified as pathogenic.

Juno Genomics, Hangzhou Juno Genomics, Inc
Classification: Pathogenic for Wilson disease. Review status: criteria provided, single submitter. Criteria: ACMG Guidelines, 2015. Collection method: clinical testing. Allele origin: germline. Affected: yes.
Comment: Absent from controls (or at extremely low frequency if recessive) in Genome Aggregation Database, Exome Sequencing Project, 1000 Genomes Project, or Exome Aggregation Consortium.;For recessive disorders, detected in trans with a pathogenic variant.;Co-segregation with disease in multiple affected family members in a gene definitively known to cause the disease.;Multiple lines of computational evidence support a deleterious effect on the gene or gene product (conservation, evolutionary, splicing impact, etc).;Novel missense change at an amino acid residue where a different missense change determined to be pathogenic has been seen before.

Counsyl
Classification: Likely pathogenic for Wilson's disease. Last evaluated: 2014-11-13. Review status: no assertion criteria provided. Collection method: literature only. Allele origin: unknown. Inheritance: Autosomal recessive inheritance. Not counted in ClinVar's aggregate classification.

Chongqing Key Laboratory of Child Rare Diseases in Infection and Immunity, Children’s Hospital of Chongqing Medical University
Classification: Uncertain significance for Wilson disease. Last evaluated: 2024-01-01. Review status: flagged submission. Criteria: ACMG Guidelines, 2015. Collection method: clinical testing. Allele origin: germline. Inheritance: Autosomal recessive inheritance. Affected: yes. Not counted in ClinVar's aggregate classification.
Comment: Classified as Uncertain significance according to the ACMG/AMP 2015 guidelines (PMID:25741868). The classification was based on the available submitted evidence for Wilson disease (OMIM:277900), including clinical-testing observations, variant consequence/protein annotation, and published or ClinVar evidence where available. Supporting information considered: variant annotation: p.Gly943Asp; Missense; Protein domain: P-domain-enriched; submitted notation: NM_000053.4:c.2828G>A (p.Gly943Asp); source variant type: Missense; source domain: P-domain-enriched; allele count n=230: 1.
ClinVar note: Reason: Outlier claim with insufficient supporting evidence

Literature cited by the submitters: PubMed 16603785 (cited by 6 submitters); PubMed 34324271 (cited by Natera, Inc.); PubMed 27022412 (cited by 4 submitters); PubMed 27930511 (cited by 3 submitters); PubMed 28212618 (cited by Color Diagnostics, LLC DBA Color Health and Laboratory for Molecular Medicine, Mass General Brigham Personalized Medicine); PubMed 35245129 (cited by Color Diagnostics, LLC DBA Color Health); PubMed 7626145 (cited by Labcorp Genetics (formerly Invitae), Labcorp); PubMed 10942420 (cited by Labcorp Genetics (formerly Invitae), Labcorp); PubMed 11243728 (cited by Labcorp Genetics (formerly Invitae), Labcorp); PubMed 16088907 (cited by 3billion); PubMed 9829905 (cited by 3 submitters); PubMed 26483271 (cited by Laboratory for Molecular Medicine, Mass General Brigham Personalized Medicine); PubMed 14966923 (cited by Laboratory for Molecular Medicine, Mass General Brigham Personalized Medicine and Counsyl); PubMed 27398169 (cited by Laboratory for Molecular Medicine, Mass General Brigham Personalized Medicine); PubMed 30655162 (cited by Laboratory for Molecular Medicine, Mass General Brigham Personalized Medicine); PubMed 21645214 (cited by Laboratory for Molecular Medicine, Mass General Brigham Personalized Medicine and Counsyl); PubMed 23235335 (cited by Laboratory for Molecular Medicine, Mass General Brigham Personalized Medicine and Counsyl); PubMed 18034201 (cited by Laboratory for Molecular Medicine, Mass General Brigham Personalized Medicine and Counsyl); PubMed 21796144 (cited by Laboratory for Molecular Medicine, Mass General Brigham Personalized Medicine and Counsyl); PubMed 23333878 (cited by Laboratory for Molecular Medicine, Mass General Brigham Personalized Medicine and Counsyl); PubMed 21034864 (cited by Laboratory for Molecular Medicine, Mass General Brigham Personalized Medicine and Counsyl); PubMed 11043508 (cited by Laboratory for Molecular Medicine, Mass General Brigham Personalized Medicine and Counsyl); PubMed 21610751 (cited by 3 submitters); PubMed 11405812 (cited by Counsyl); PubMed 16696937 (cited by Counsyl); PubMed 20931554 (cited by Counsyl).